The following is an entry in ClinVar:

ClinVar aggregate classification (germline): Pathogenic (0 of 4 stars; one submission).

Conditions:
Spinocerebellar ataxia type 14 (SCA14). Identifiers: Orphanet 98763, MedGen C1854369, MONDO:0011540, OMIM 605361.

Submission:

GeneReviews
Classification: Pathogenic for Spinocerebellar Ataxia Type14. Last evaluated: 2013-04-18. Review status: no assertion criteria provided. Collection method: curation. Allele origin: unknown.
ClinVar note: Converted during submission from pathologic to Pathogenic.

NM_002739.5(PRKCG):c.229T>A (p.Cys77Ser)

Gene: PRKCG (protein kinase C gamma; plus strand). Cytogenetic location: 19q13.42.
Variant type: single nucleotide variant.
Coding change: c.229T>A on transcript NM_002739.5 (MANE Select); coding-DNA position 229, T replaced by A.
Protein change: p.Cys77Ser; replaces cysteine 77 with serine.
Molecular consequence: missense variant.
Genome position (GRCh38, 1-based): chr19:53,884,187, T>A. VCF-style: chr19-53884187-T-A. GRCh37 (hg19) VCF-style: chr19-54387441-T-A.
Other names: c.229t>a; c.229T>A, p.Cys77Ser (NM_001316329.2); short protein forms C77S.
Identifiers: ClinVar variation 42148 (VCV000042148.3), dbSNP rs386134160, ClinGen allele CA344608.